The following is an entry in ClinVar:

NM_001365088.1(SLC12A6):c.1069G>A (p.Ala357Thr)

Gene: SLC12A6 (solute carrier family 12 member 6; minus strand). Cytogenetic location: 15q14.
Variant type: single nucleotide variant.
Coding change: c.1069G>A on transcript NM_001365088.1 (MANE Select); coding-DNA position 1069, G replaced by A.
Protein change: p.Ala357Thr; replaces alanine 357 with threonine.
Molecular consequence: missense variant.
Genome position (GRCh38, 1-based): chr15:34,254,397, C>T on the plus strand (G>A on the coding strand, the complement: SLC12A6 is on the minus strand). VCF-style: chr15-34254397-C-T. GRCh37 (hg19) VCF-style: chr15-34546598-C-T.
Other names: c.892G>A, p.Ala298Thr (NM_001042494.2, NM_001042495.2); c.1042G>A, p.Ala348Thr (NM_001042496.2); c.1024G>A, p.Ala342Thr (NM_001042497.2); c.916G>A, p.Ala306Thr (NM_005135.2); c.1069G>A, p.Ala357Thr (NM_133647.2); short protein forms A357T, A306T, A298T, A342T, A348T.
Identifiers: ClinVar variation 2747790 (VCV002747790.3), dbSNP rs754723661, ClinGen allele CA7464416.

ClinVar aggregate classification (germline): Uncertain significance (1 of 4 stars; one submission).

Allele frequency attached by ClinVar (database versions not stated): ExAC 0.00001; gnomAD exomes 0.00001.

Submission:

Labcorp Genetics (formerly Invitae), Labcorp
Classification: Uncertain significance. Last evaluated: 2023-06-29. Review status: criteria provided, single submitter. Criteria: Invitae Variant Classification Sherloc (09022015). Collection method: clinical testing. Allele origin: germline.
Comment: In summary, the available evidence is currently insufficient to determine the role of this variant in disease. Therefore, it has been classified as a Variant of Uncertain Significance. Advanced modeling of protein sequence and biophysical properties (such as structural, functional, and spatial information, amino acid conservation, physicochemical variation, residue mobility, and thermodynamic stability) performed at Invitae indicates that this missense variant is not expected to disrupt SLC12A6 protein function. This variant is present in population databases (rs754723661, gnomAD 0.0009%). This variant has not been reported in the literature in individuals affected with SLC12A6-related conditions. This sequence change replaces alanine, which is neutral and non-polar, with threonine, which is neutral and polar, at codon 357 of the SLC12A6 protein (p.Ala357Thr).